The following is an entry in ClinVar:

NM_020461.4(TUBGCP6):c.4076A>G (p.Asn1359Ser)

Gene: TUBGCP6 (tubulin gamma complex component 6; minus strand). Cytogenetic location: 22q13.33.
Variant type: single nucleotide variant.
Coding change: c.4076A>G on transcript NM_020461.4 (MANE Select); coding-DNA position 4076, A replaced by G.
Protein change: p.Asn1359Ser; replaces asparagine 1359 with serine.
Molecular consequence: missense variant.
Genome position (GRCh38, 1-based): chr22:50,220,283, T>C on the plus strand (A>G on the coding strand, the complement: TUBGCP6 is on the minus strand). VCF-style: chr22-50220283-T-C. GRCh37 (hg19) VCF-style: chr22-50658712-T-C.
Other names: c.4076A>G (NM_020461.3); short protein forms N1359S.
Identifiers: ClinVar variation 1463055 (VCV001463055.6), dbSNP rs142894029, ClinGen allele CA10307738.

ClinVar aggregate classification (germline): Uncertain significance. Review status: criteria provided, multiple submitters, no conflicts (2 of 4 stars). 2 submissions from 2 submitters: Uncertain significance (2). Last evaluated 2023-03-07.

Conditions:
Inborn genetic diseases. Identifiers: MedGen C0950123, MeSH D030342.

Allele frequency attached by ClinVar (database versions not stated): gnomAD 0.00001; gnomAD exomes 0.00001 and 0.00002; ExAC 0.00002; ESP Exome Variant Server 0.00008.
gnomAD v4.1: 18 of 1,572,916 alleles (0.0011%); highest among the groups gnomAD compares: Admixed American, 0.0035%; no homozygotes.

Submissions (2):

Ambry Genetics
Classification: Uncertain significance for Inborn genetic diseases. Last evaluated: 2023-03-07. Review status: criteria provided, single submitter. Criteria: Ambry Variant Classification Scheme 2023. Collection method: clinical testing. Allele origin: germline.

Labcorp Genetics (formerly Invitae), Labcorp
Classification: Uncertain significance. Last evaluated: 2022-07-06. Review status: criteria provided, single submitter. Criteria: Invitae Variant Classification Sherloc (09022015). Collection method: clinical testing. Allele origin: germline.
Comment: This variant is present in population databases (rs142894029, gnomAD 0.01%). In summary, the available evidence is currently insufficient to determine the role of this variant in disease. Therefore, it has been classified as a Variant of Uncertain Significance. Algorithms developed to predict the effect of missense changes on protein structure and function output the following: SIFT: "Tolerated"; PolyPhen-2: "Benign"; Align-GVGD: "Class C0". The serine amino acid residue is found in multiple mammalian species, which suggests that this missense change does not adversely affect protein function. ClinVar contains an entry for this variant (Variation ID: 1463055). This variant has not been reported in the literature in individuals affected with TUBGCP6-related conditions. This sequence change replaces asparagine, which is neutral and polar, with serine, which is neutral and polar, at codon 1359 of the TUBGCP6 protein (p.Asn1359Ser).